The following is an entry in ClinVar:

ClinVar aggregate classification (germline): Conflicting classifications of pathogenicity. Review status: criteria provided, conflicting classifications (1 of 4 stars). 3 submissions from 3 submitters: Uncertain significance (1); Likely benign (1). 1 of the submissions does not count toward it. Last evaluated 2025-09-11.

Conditions:
Hereditary cancer-predisposing syndrome. Also called: Tumor predisposition; Hereditary Cancer Syndrome; Neoplastic Syndromes, Hereditary; Hereditary neoplastic syndrome. Identifiers: Orphanet 140162, MedGen C0027672, MeSH D009386, MONDO:0015356.
Breast-ovarian cancer, familial, susceptibility to, 2 (BROVCA2). Also called: BRCA2 Hereditary Breast and Ovarian Cancer. Identifiers: Orphanet 145, MedGen C2675520, MONDO:0012933, OMIM 612555. Disease mechanism: loss of function.

Allele frequency attached by ClinVar (database versions not stated): gnomAD 0.00001.
gnomAD v4.1: 1 of 1,588,758 alleles (0.000063%); highest among the groups gnomAD compares: Non-Finnish European, 0.000085%; no homozygotes.

Submissions (3):

Ambry Genetics
Classification: Uncertain significance for Hereditary cancer-predisposing syndrome. Last evaluated: 2025-09-11. Review status: criteria provided, single submitter. Criteria: Ambry Variant Classification Scheme 2023. Collection method: clinical testing. Allele origin: germline.
Comment: The p.V323G variant (also known as c.968T>G), located in coding exon 9 of the BRCA2 gene, results from a T to G substitution at nucleotide position 968. The valine at codon 323 is replaced by glycine, an amino acid with dissimilar properties. This amino acid position is poorly conserved in available vertebrate species. In addition, this alteration is predicted to be tolerated by in silico analysis. Based on the available evidence, the clinical significance of this variant remains unclear.

University of Washington Department of Laboratory Medicine, University of Washington
Classification: Likely benign for Hereditary cancer-predisposing syndrome. Last evaluated: 2023-03-23. Review status: criteria provided, single submitter. Criteria: Dines et al. (Genet Med. 2020). Collection method: curation. Allele origin: germline.
Comment: Missense variant in a coldspot region where missense variants are very unlikely to be pathogenic (PMID:31911673).

BRCA2 exon 10 coldspot. Reclassification based on statistical prior probability.

Sharing Clinical Reports Project (SCRP)
Classification: Uncertain significance for Breast-ovarian cancer, familial 2. Last evaluated: 2013-06-03. Review status: no assertion criteria provided. Collection method: clinical testing. Allele origin: germline. Not counted in ClinVar's aggregate classification.

NM_000059.4(BRCA2):c.968T>G (p.Val323Gly)

Gene: BRCA2 (BRCA2 DNA repair associated; plus strand). Cytogenetic location: 13q13.1.
Variant type: single nucleotide variant.
Coding change: c.968T>G on transcript NM_000059.4 (MANE Select); coding-DNA position 968, T replaced by G.
Protein change: p.Val323Gly; replaces valine 323 with glycine.
Molecular consequence: missense variant.
Genome position (GRCh38, 1-based): chr13:32,332,446, T>G. VCF-style: chr13-32332446-T-G. GRCh37 (hg19) VCF-style: chr13-32906583-T-G.
Other names: 1196T>G; short protein forms V323G.
Identifiers: ClinVar variation 91531 (VCV000091531.9), dbSNP rs398122619, ClinGen allele CA026268.
Genomic context (GRCh38, chr13:32,332,446, plus strand): 5'-CTGAAGAAGATAGTTTTTCATTATGTTTTTCTAAATGTAGAACAAAAAATCTACAAAAAG[T>G]AAGAACTAGCAAGACTAGGAAAAAAATTTTCCATGAAGCAAACGCTGATGAATGTGAAAA-3'
Protein context (NP_000050.3, residues 313-333): SKCRTKNLQK[Val323Gly]RTSKTRKKIF